The following is an entry in ClinVar:

ClinVar aggregate classification (germline): Uncertain significance (1 of 4 stars; one submission).

Conditions:
Hereditary nonpolyposis colorectal neoplasms. Identifiers: MedGen C0009405, MeSH D003123.

Submission:

Labcorp Genetics (formerly Invitae), Labcorp
Classification: Uncertain significance for Hereditary nonpolyposis colorectal neoplasms. Last evaluated: 2022-04-20. Review status: criteria provided, single submitter. Criteria: Invitae Variant Classification Sherloc (09022015). Collection method: clinical testing. Allele origin: germline.
Comment: This sequence change replaces leucine, which is neutral and non-polar, with isoleucine, which is neutral and non-polar, at codon 1305 of the MSH6 protein (p.Leu1305Ile). This variant is not present in population databases (gnomAD no frequency). This variant has not been reported in the literature in individuals affected with MSH6-related conditions. Algorithms developed to predict the effect of missense changes on protein structure and function are either unavailable or do not agree on the potential impact of this missense change (SIFT: "Deleterious"; PolyPhen-2: "Possibly Damaging"; Align-GVGD: "Class C0"). In summary, the available evidence is currently insufficient to determine the role of this variant in disease. Therefore, it has been classified as a Variant of Uncertain Significance.

NM_000179.3(MSH6):c.3913C>A (p.Leu1305Ile)

Gene: MSH6 (mutS homolog 6; plus strand). Cytogenetic location: 2p16.3.
Variant type: single nucleotide variant.
Coding change: c.3913C>A on transcript NM_000179.3 (MANE Select); coding-DNA position 3913, C replaced by A.
Protein change: p.Leu1305Ile; replaces leucine 1305 with isoleucine.
Molecular consequence: missense variant. On other transcripts: synonymous variant (1).
Genome position (GRCh38, 1-based): chr2:47,806,563, C>A. VCF-style: chr2-47806563-C-A. GRCh37 (hg19) VCF-style: chr2-48033702-C-A.
Other names: c.3523C>A, p.Leu1175Ile (NM_001281492.2); c.3007C>A, p.Leu1003Ile (NM_001281493.2, NM_001281494.2, NM_001406811.1 and 6 more transcripts); c.4009C>A, p.Leu1337Ile (NM_001406795.1); c.3913C>A, p.Leu1305Ile (NM_001406796.1, NM_001406808.1, NM_001406809.1); c.3616C>A, p.Leu1206Ile (NM_001406797.1, NM_001406801.1, NM_001406805.1 and 10 more transcripts); c.3739C>A, p.Leu1247Ile (NM_001406798.1); c.3388C>A, p.Leu1130Ile (NM_001406799.1, NM_001406806.1, NM_001406807.1); c.3900C>A, p.Gly1300= (NM_001406800.1); and 8 more; short protein forms L1247I, L620I, L1206I, L1249I, L1337I, L254I, L1003I, L1017I.
Identifiers: ClinVar variation 2128264 (VCV002128264.4), dbSNP rs1670120604, ClinGen allele CA346761444.